The following is an entry in ClinVar:

NM_001130987.2(DYSF):c.1003-18T>G

Gene: DYSF (dysferlin; plus strand). Cytogenetic location: 2p13.2.
Variant type: single nucleotide variant.
Coding change: c.1003-18T>G on transcript NM_001130987.2 (MANE Select); 18 bases into the intron before coding-DNA position 1003, T replaced by G.
Molecular consequence: intron variant.
Genome position (GRCh38, 1-based): chr2:71,520,160, T>G. VCF-style: chr2-71520160-T-G. GRCh37 (hg19) VCF-style: chr2-71747290-T-G.
Other names: c.1000-18T>G (NM_001130979.2, NM_001130981.2, NM_001130980.2); c.907-18T>G (NM_001130978.2, NM_003494.4, NM_001130977.2 and 1 more transcripts); c.1003-18T>G (NM_001130982.2, NM_001130985.2); c.910-18T>G (NM_001130983.2, NM_001130455.2, NM_001130984.2 and 1 more transcripts).
Identifiers: ClinVar variation 4811354 (VCV004811354.1).

ClinVar aggregate classification (germline): Uncertain significance (1 of 4 stars; one submission).

Conditions:
Neuromuscular disease caused by qualitative or quantitative defects of dysferlin. Also called: Qualitative or quantitative defects of dysferlin; Dysferlinopathy. Identifiers: Orphanet 207073, MedGen C2931687, MONDO:0016145.

Submission:

Labcorp Genetics (formerly Invitae), Labcorp
Classification: Uncertain significance for Neuromuscular disease caused by qualitative or quantitative defects of dysferlin. Last evaluated: 2025-12-02. Review status: criteria provided, single submitter. Criteria: Invitae Variant Classification Sherloc (09022015). Collection method: clinical testing. Allele origin: germline.
Comment: This sequence change falls in intron 9 of the DYSF gene. It does not directly change the encoded amino acid sequence of the DYSF protein. This variant is not present in population databases (gnomAD no frequency). This variant has not been reported in the literature in individuals affected with DYSF-related conditions. Algorithms developed to predict the effect of sequence changes on RNA splicing suggest that this variant may disrupt the consensus splice site. In summary, the available evidence is currently insufficient to determine the role of this variant in disease. Therefore, it has been classified as a Variant of Uncertain Significance.